The following is an entry in ClinVar:

ClinVar aggregate classification (germline): Uncertain significance. Review status: criteria provided, multiple submitters, no conflicts (2 of 4 stars). 2 submissions from 2 submitters: Uncertain significance (2). Last evaluated 2022-06-23.

Conditions:
Inborn genetic diseases. Identifiers: MedGen C0950123, MeSH D030342.

Allele frequency attached by ClinVar (database versions not stated): ExAC 0.00003; gnomAD exomes 0.00003 and 0.00004; ESP Exome Variant Server 0.00008; gnomAD 0.00025 and 0.00030; TOPMed 0.00035.
gnomAD v4.1: 84 of 1,614,024 alleles (0.0052%); highest among the groups gnomAD compares: African/African-American, 0.081%; no homozygotes.

Submissions (2):

Labcorp Genetics (formerly Invitae), Labcorp
Classification: Uncertain significance. Last evaluated: 2022-06-23. Review status: criteria provided, single submitter. Criteria: Invitae Variant Classification Sherloc (09022015). Collection method: clinical testing. Allele origin: germline.
Comment: This sequence change replaces arginine, which is basic and polar, with histidine, which is basic and polar, at codon 905 of the LTBP2 protein (p.Arg905His). This variant is present in population databases (rs144907368, gnomAD 0.08%). This variant has not been reported in the literature in individuals affected with LTBP2-related conditions. Algorithms developed to predict the effect of missense changes on protein structure and function output the following: SIFT: "Deleterious"; PolyPhen-2: "Benign"; Align-GVGD: "Class C0". The histidine amino acid residue is found in multiple mammalian species, which suggests that this missense change does not adversely affect protein function. In summary, the available evidence is currently insufficient to determine the role of this variant in disease. Therefore, it has been classified as a Variant of Uncertain Significance.

Ambry Genetics
Classification: Uncertain significance for Inborn genetic diseases. Last evaluated: 2021-09-15. Review status: criteria provided, single submitter. Criteria: Ambry Variant Classification Scheme 2023. Collection method: clinical testing. Allele origin: germline.

NM_000428.3(LTBP2):c.2714G>A (p.Arg905His)

Gene: LTBP2 (latent transforming growth factor beta binding protein 2; minus strand). Cytogenetic location: 14q24.3.
Variant type: single nucleotide variant.
Coding change: c.2714G>A on transcript NM_000428.3 (MANE Select); coding-DNA position 2714, G replaced by A.
Protein change: p.Arg905His; replaces arginine 905 with histidine.
Molecular consequence: missense variant.
Genome position (GRCh38, 1-based): chr14:74,521,985, C>T on the plus strand (G>A on the coding strand, the complement: LTBP2 is on the minus strand). VCF-style: chr14-74521985-C-T. GRCh37 (hg19) VCF-style: chr14-74988688-C-T.
Other names: c.2714G>A (NM_000428.2); short protein forms R905H.
Identifiers: ClinVar variation 1516457 (VCV001516457.4), dbSNP rs144907368, ClinGen allele CA7269404.